The following is an entry in ClinVar:

ClinVar aggregate classification (germline): Pathogenic (1 of 4 stars; one submission).

Conditions:
Hereditary cancer-predisposing syndrome. Also called: Hereditary Cancer Syndrome; Hereditary neoplastic syndrome; Neoplastic Syndromes, Hereditary; Tumor predisposition. Identifiers: Orphanet 140162, MedGen C0027672, MeSH D009386, MONDO:0015356.

Submission:

Ambry Genetics
Classification: Pathogenic for Hereditary cancer-predisposing syndrome. Last evaluated: 2025-09-02. Review status: criteria provided, single submitter. Criteria: Ambry Variant Classification Scheme 2023. Collection method: clinical testing. Allele origin: germline.
Comment: The c.1284_1288delCCACGinsACA pathogenic mutation, located in coding exon 8 of the FLCN gene, results from the deletion of 5 nucleotides and insertion of 3 nucleotides causing a translational frameshift with a predicted alternate stop codon (p.V430Afs*25). This variant is considered to be rare based on population cohorts in the Genome Aggregation Database (gnomAD). This alteration is expected to result in loss of function by premature protein truncation or nonsense-mediated mRNA decay. As such, this alteration is interpreted as a disease-causing mutation.

NM_144997.7(FLCN):c.1284_1288delinsACA (p.Val430fs)

Gene: FLCN (folliculin; minus strand). Cytogenetic location: 17p11.2.
Variant type: Indel.
Coding change: c.1284_1288delinsACA on transcript NM_144997.7 (MANE Select); coding-DNA positions 1284 to 1288, CCACG replaced by ACA.
Protein change: p.Val430fs; shifts the reading frame from valine 430.
Molecular consequence: frameshift variant.
Genome position (GRCh38, 1-based): chr17:17,216,392-17,216,396, CGTGG replaced by TGT on the plus strand (CCACG replaced by ACA on the coding strand, the reverse complement: FLCN is on the minus strand). VCF-style: chr17-17216392-CGTGG-TGT. GRCh37 (hg19) VCF-style: chr17-17119706-CGTGG-TGT.
Other names: c.1338_1342delinsACA, p.Val448fs (NM_001353229.2); c.1284_1288delinsACA, p.Val430fs (NM_001353230.2, NM_001353231.2); short protein forms V448fs, V430fs.
Identifiers: ClinVar variation 4257941 (VCV004257941.1).